The following is an entry in ClinVar:

NM_207118.3(GTF2H5):c.127G>A (p.Val43Ile)

Gene: GTF2H5 (general transcription factor IIH subunit 5; plus strand). Cytogenetic location: 6q25.3.
Variant type: single nucleotide variant.
Coding change: c.127G>A on transcript NM_207118.3 (MANE Select); coding-DNA position 127, G replaced by A.
Protein change: p.Val43Ile; replaces valine 43 with isoleucine.
Molecular consequence: missense variant.
Genome position (GRCh38, 1-based): chr6:158,192,068, G>A. VCF-style: chr6-158192068-G-A. GRCh37 (hg19) VCF-style: chr6-158613100-G-A.
Other names: c.127G>A (NM_207118.2); short protein forms V43I.
Identifiers: ClinVar variation 1495747 (VCV001495747.7), dbSNP rs114381286, ClinGen allele CA4071606.

ClinVar aggregate classification (germline): Uncertain significance. Review status: criteria provided, multiple submitters, no conflicts (2 of 4 stars). 2 submissions from 2 submitters: Uncertain significance (2). Last evaluated 2025-05-25.

Conditions:
Inborn genetic diseases. Identifiers: MedGen C0950123, MeSH D030342.

Allele frequency attached by ClinVar (database versions not stated): gnomAD exomes 0.00002; TOPMed 0.00004; ExAC 0.00001; gnomAD 0.00002.

Submissions (2):

Ambry Genetics
Classification: Uncertain significance for Inborn genetic diseases. Last evaluated: 2025-05-25. Review status: criteria provided, single submitter. Criteria: Ambry Variant Classification Scheme 2023. Collection method: clinical testing. Allele origin: germline.

Labcorp Genetics (formerly Invitae), Labcorp
Classification: Uncertain significance. Last evaluated: 2022-07-11. Review status: criteria provided, single submitter. Criteria: Invitae Variant Classification Sherloc (09022015). Collection method: clinical testing. Allele origin: germline.
Comment: This sequence change replaces valine, which is neutral and non-polar, with isoleucine, which is neutral and non-polar, at codon 43 of the GTF2H5 protein (p.Val43Ile). This variant is present in population databases (rs114381286, gnomAD 0.02%). This variant has not been reported in the literature in individuals affected with GTF2H5-related conditions. ClinVar contains an entry for this variant (Variation ID: 1495747). Algorithms developed to predict the effect of missense changes on protein structure and function output the following: SIFT: "Tolerated"; PolyPhen-2: "Benign"; Align-GVGD: "Class C0". The isoleucine amino acid residue is found in multiple mammalian species, which suggests that this missense change does not adversely affect protein function. In summary, the available evidence is currently insufficient to determine the role of this variant in disease. Therefore, it has been classified as a Variant of Uncertain Significance.